The following is an entry in ClinVar:

NM_001372106.1(DNAH10):c.12106-6G>A

Genes: DNAH10 (dynein axonemal heavy chain 10; plus strand), DNAH10OS (dynein axonemal heavy chain 10 opposite strand; minus strand). Cytogenetic location: 12q24.31.
Variant type: single nucleotide variant.
Coding change: c.12106-6G>A on transcript NM_001372106.1 (MANE Select); 6 bases into the intron before coding-DNA position 12106, G replaced by A.
Molecular consequence: intron variant.
Genome position (GRCh38, 1-based): chr12:123,928,381, G>A. VCF-style: chr12-123928381-G-A. GRCh37 (hg19) VCF-style: chr12-124412928-G-A.
Other names: c.11752-6G>A (NM_207437.3).
Identifiers: ClinVar variation 2643539 (VCV002643539.24), dbSNP rs139192229, ClinGen allele CA6865844.

ClinVar aggregate classification (germline): Benign (1 of 4 stars; one submission).

Allele frequency attached by ClinVar (database versions not stated): 1000 Genomes Project 0.00519; 1000 Genomes Project 30x 0.00562; gnomAD 0.00959; ESP Exome Variant Server 0.01032; TOPMed 0.01038; gnomAD exomes 0.01403; ExAC 0.02305.
gnomAD v4.1: 21,533 of 1,584,148 alleles (1.4%); highest among the groups gnomAD compares: Non-Finnish European, 1.6%; 183 homozygotes.

Submission:

CeGaT Center for Human Genetics Tuebingen
Classification: Benign. Last evaluated: 2024-08-01. Review status: criteria provided, single submitter. Criteria: CeGaT Center For Human Genetics Tuebingen Variant Classification Criteria Version 2. Collection method: clinical testing. Allele origin: germline. Affected: yes. Observed: 2 variant alleles.
Comment: DNAH10: BP4, BS1, BS2